The following is an entry in ClinVar:

ClinVar aggregate classification (germline): Conflicting classifications of pathogenicity. Review status: criteria provided, conflicting classifications (1 of 4 stars). 2 submissions from 2 submitters: Uncertain significance (1); Likely benign (1). Last evaluated 2025-11-11.

Conditions:
Hereditary breast ovarian cancer syndrome. Also called: Hereditary breast and/or ovarian cancer syndrome; BRCA1- and BRCA2-Associated Hereditary Breast and Ovarian Cancer; Hereditary breast and ovarian cancer syndrome; Hereditary breast and ovarian cancer; Hereditary breast and ovarian cancer syndrome (HBOC); Breast and ovarian cancer. Identifiers: Orphanet 145, MedGen C0677776, MeSH D061325, MONDO:0003582. Disease mechanism: loss of function.
Hereditary cancer-predisposing syndrome. Also called: Tumor predisposition; Hereditary Cancer Syndrome; Hereditary neoplastic syndrome; Neoplastic Syndromes, Hereditary. Identifiers: Orphanet 140162, MedGen C0027672, MeSH D009386, MONDO:0015356.

Submissions (3):

Labcorp Genetics (formerly Invitae), Labcorp
Classification: Uncertain significance for Hereditary breast ovarian cancer syndrome. Last evaluated: 2025-11-11. Review status: criteria provided, single submitter. Criteria: Invitae Variant Classification Sherloc (09022015). Collection method: clinical testing. Allele origin: germline.
Comment: This sequence change replaces valine, which is neutral and non-polar, with methionine, which is neutral and non-polar, at codon 1810 of the BRCA1 protein (p.Val1810Met). This variant is not present in population databases (gnomAD no frequency). This variant has not been reported in the literature in individuals affected with BRCA1-related conditions. ClinVar contains an entry for this variant (Variation ID: 867385). Invitae Evidence Modeling incorporating data from in vitro experimental studies (PMID: 30209399) indicates that this missense variant is not expected to disrupt BRCA1 function with a negative predictive value of 95%. Experimental studies have shown that this missense change does not substantially affect BRCA1 function (PMID: 30209399). In summary, the available evidence is currently insufficient to determine the role of this variant in disease. Therefore, it has been classified as a Variant of Uncertain Significance.

Ambry Genetics
Classification: Likely benign for Hereditary cancer-predisposing syndrome. Last evaluated: 2023-07-17. Review status: criteria provided, single submitter. Criteria: Ambry Variant Classification Scheme 2023. Collection method: clinical testing. Allele origin: germline.

Brotman Baty Institute, University of Washington
No classification provided (evidence only). Condition: Breast-ovarian cancer, familial 1. Review status: no classification provided. Collection method: in vitro. Allele origin: not applicable. Functional consequence: functionally_normal. Not counted in ClinVar's aggregate classification.
ClinVar note: "not provided" was previously submitted as the classification for the variant. However, the classification appeared to be based only on an observation of functional data so it was converted to no classification on 2025-07-30.

Literature cited by the submitters: PubMed 30209399 (cited by Labcorp Genetics (formerly Invitae), Labcorp and Ambry Genetics).

NM_007294.4(BRCA1):c.5428G>A (p.Val1810Met)

Gene: BRCA1 (BRCA1 DNA repair associated; minus strand). Cytogenetic location: 17q21.31.
Variant type: single nucleotide variant.
Coding change: c.5428G>A on transcript NM_007294.4 (MANE Select); coding-DNA position 5428, G replaced by A.
Protein change: p.Val1810Met; replaces valine 1810 with methionine.
Molecular consequence: missense variant. On other transcripts: non-coding transcript variant (1).
Genome position (GRCh38, 1-based): chr17:43,047,682, C>T on the plus strand (G>A on the coding strand, the complement: BRCA1 is on the minus strand). VCF-style: chr17-43047682-C-T. GRCh37 (hg19) VCF-style: chr17-41199699-C-T.
Other names: c.5215G>A, p.Val1739Met (NM_001407571.1, NM_001407894.1, NM_001407895.1 and 12 more transcripts); c.5494G>A, p.Val1832Met (NM_001407581.1, NM_001407582.1); c.5491G>A, p.Val1831Met (NM_001407583.1, NM_001407585.1, NM_001407587.1 and 1 more transcripts); c.5488G>A, p.Val1830Met (NM_001407590.1, NM_001407591.1); c.5428G>A, p.Val1810Met (NM_001407593.1, NM_001407594.1, NM_001407596.1 and 5 more transcripts); c.5425G>A, p.Val1809Met (NM_001407619.1, NM_001407620.1, NM_001407621.1 and 14 more transcripts); c.5422G>A, p.Val1808Met (NM_001407627.1, NM_001407638.1, NM_001407639.1 and 13 more transcripts); c.5419G>A, p.Val1807Met (NM_001407644.1, NM_001407645.1); and 83 more; short protein forms V1831M, C681Y, V1763M, V1810M, V706M, V1699M, V1722M, V1726M.
Identifiers: ClinVar variation 867385 (VCV000867385.14), dbSNP rs2050988927, ClinGen allele CA10590583.